The following is an entry in ClinVar:

NM_017654.4(SAMD9):c.3799T>C (p.Ser1267Pro)

Gene: SAMD9 (sterile alpha motif domain containing 9; minus strand). Cytogenetic location: 7q21.2.
Variant type: single nucleotide variant.
Coding change: c.3799T>C on transcript NM_017654.4 (MANE Select); coding-DNA position 3799, T replaced by C.
Protein change: p.Ser1267Pro; replaces serine 1267 with proline.
Molecular consequence: missense variant.
Genome position (GRCh38, 1-based): chr7:93,102,299, A>G on the plus strand (T>C on the coding strand, the complement: SAMD9 is on the minus strand). VCF-style: chr7-93102299-A-G. GRCh37 (hg19) VCF-style: chr7-92731612-A-G.
Other names: c.3799T>C, p.Ser1267Pro (NM_001193307.2); short protein forms S1267P.
Identifiers: ClinVar variation 3602899 (VCV003602899.1).

ClinVar aggregate classification (germline): Uncertain significance (1 of 4 stars; one submission).

gnomAD v4.1: 1 of 1,611,390 alleles (0.000062%); highest among the groups gnomAD compares: Non-Finnish European, 0.000085%; no homozygotes.

Submission:

GeneDx
Classification: Uncertain significance. Last evaluated: 2024-08-09. Review status: criteria provided, single submitter. Criteria: GeneDx Variant Classification Process June 2021. Collection method: clinical testing. Allele origin: germline. Affected: yes.
Comment: Not observed at significant frequency in large population cohorts (gnomAD); In silico analysis indicates that this missense variant does not alter protein structure/function; Has not been previously published as pathogenic or benign to our knowledge